The following is an entry in ClinVar:

NM_003718.5(CDK13):c.645G>T (p.Glu215Asp)

Gene: CDK13 (cyclin dependent kinase 13; plus strand). Cytogenetic location: 7p14.1.
Variant type: single nucleotide variant.
Coding change: c.645G>T on transcript NM_003718.5 (MANE Select); coding-DNA position 645, G replaced by T.
Protein change: p.Glu215Asp; replaces glutamic acid 215 with aspartic acid.
Molecular consequence: missense variant.
Genome position (GRCh38, 1-based): chr7:39,951,286, G>T. VCF-style: chr7-39951286-G-T. GRCh37 (hg19) VCF-style: chr7-39990885-G-T.
Other names: c.645G>T, p.Glu215Asp (NM_031267.4); short protein forms E215D.
Identifiers: ClinVar variation 2349856 (VCV002349856.6), dbSNP rs1185235703, ClinGen allele CA367310173.
Genomic context (GRCh38, chr7:39,951,286, plus strand): 5'-GCGCAGGCCCCGCCGGGACCGCCGCAGCAGCAGTGGCCGCAGCAAGGAGCGCCACCGCGA[G>T]CACCGGCGGCGGGATGGGCAGCGCGGTGGCAGCGAGGCCTCCAAGTCCCGCAGCCGCCAC-3'
Protein context (NP_003709.3, residues 205-225): SSGRSKERHR[Glu215Asp]HRRRDGQRGG

ClinVar aggregate classification (germline): Conflicting classifications of pathogenicity. Review status: criteria provided, conflicting classifications (1 of 4 stars). 3 submissions from 3 submitters: Uncertain significance (2); Benign (1). Last evaluated 2025-12-26.

Conditions:
CDK13-related disorder. Also called: CDK13-related condition. Identifiers: MedGen C5816700.
Inborn genetic diseases. Identifiers: MedGen C0950123, MeSH D030342.

Allele frequency attached by ClinVar (database versions not stated): gnomAD exomes below 0.00001.
gnomAD v4.1: 2 of 1,362,472 alleles (0.00015%); highest among the groups gnomAD compares: Admixed American, 0.008%; no homozygotes.

Submissions (3):

Labcorp Genetics (formerly Invitae), Labcorp
Classification: Benign. Last evaluated: 2025-12-26. Review status: criteria provided, single submitter. Criteria: Invitae Variant Classification Sherloc (09022015). Collection method: clinical testing. Allele origin: germline.

PreventionGenetics, part of Exact Sciences
Classification: Uncertain significance for CDK13-related condition. Last evaluated: 2022-10-19. Review status: criteria provided, single submitter. Criteria: ACMG Guidelines, 2015. Collection method: clinical testing. Allele origin: germline.
Comment: The CDK13 c.645G>T variant is predicted to result in the amino acid substitution p.Glu215Asp. To our knowledge, this variant has not been reported in the literature. This variant is reported in 1 out of ~34,000 alleles in gnomAD. At this time, the clinical significance of this variant is uncertain due to the absence of conclusive functional and genetic evidence.

Ambry Genetics
Classification: Uncertain significance for Inborn genetic diseases. Last evaluated: 2021-07-13. Review status: criteria provided, single submitter. Criteria: Ambry Variant Classification Scheme 2023. Collection method: clinical testing. Allele origin: germline.